The following is an entry in ClinVar:

NM_000322.5(PRPH2):c.291G>A (p.Trp97Ter)

Gene: PRPH2 (peripherin 2; minus strand). Cytogenetic location: 6p21.1.
Variant type: single nucleotide variant.
Coding change: c.291G>A on transcript NM_000322.5 (MANE Select); coding-DNA position 291, G replaced by A.
Protein change: p.Trp97Ter; replaces tryptophan 97 with a stop codon.
Molecular consequence: nonsense.
Genome position (GRCh38, 1-based): chr6:42,722,044, C>T on the plus strand (G>A on the coding strand, the complement: PRPH2 is on the minus strand). VCF-style: chr6-42722044-C-T. GRCh37 (hg19) VCF-style: chr6-42689782-C-T.
Other names: short protein forms W97*.
Identifiers: ClinVar variation 4770250 (VCV004770250.2).

ClinVar aggregate classification (germline): Pathogenic/Likely pathogenic. Review status: criteria provided, multiple submitters, no conflicts (2 of 4 stars). 2 submissions from 2 submitters: Pathogenic (1); Likely pathogenic (1). Last evaluated 2025-12-17.

Conditions:
PRPH2-related disorder. Also called: PRPH2-related condition; PRPH2-related disorders. Identifiers: MedGen CN239395.

Submissions (2):

Labcorp Genetics (formerly Invitae), Labcorp
Classification: Pathogenic for PRPH2-related disorder. Last evaluated: 2025-12-17. Review status: criteria provided, single submitter. Criteria: Invitae Variant Classification Sherloc (09022015). Collection method: clinical testing. Allele origin: germline.
Comment: This sequence change creates a premature translational stop signal (p.Trp97*) in the PRPH2 gene. It is expected to result in an absent or disrupted protein product. Loss-of-function variants in PRPH2 are known to be pathogenic (PMID: 8111389, 8485575, 8485576, 8675410, 16916875, 17504850, 22863181, 25675413, 26061163, 27365499, 29555955, 33546218). This variant is not present in population databases (gnomAD no frequency). This premature translational stop signal has been observed in individual(s) with clinical features of PRPH2-related conditions (PMID: 36563963). For these reasons, this variant has been classified as Pathogenic.

Blueprint Genetics
Classification: Likely pathogenic for PRPH2-related disorders. Last evaluated: 2021-12-14. Review status: criteria provided, single submitter. Criteria: ACMG Guidelines, 2015. Collection method: clinical testing. Allele origin: germline. Affected: yes. Observed: 2 variant alleles.

Literature cited by the submitters: PubMed 8111389 (cited by Labcorp Genetics (formerly Invitae), Labcorp); PubMed 8485575 (cited by Labcorp Genetics (formerly Invitae), Labcorp); PubMed 8485576 (cited by Labcorp Genetics (formerly Invitae), Labcorp); PubMed 8675410 (cited by Labcorp Genetics (formerly Invitae), Labcorp); PubMed 16916875 (cited by Labcorp Genetics (formerly Invitae), Labcorp); PubMed 17504850 (cited by Labcorp Genetics (formerly Invitae), Labcorp); PubMed 22863181 (cited by Labcorp Genetics (formerly Invitae), Labcorp); PubMed 25675413 (cited by Labcorp Genetics (formerly Invitae), Labcorp); PubMed 26061163 (cited by Labcorp Genetics (formerly Invitae), Labcorp); PubMed 27365499 (cited by Labcorp Genetics (formerly Invitae), Labcorp); PubMed 29555955 (cited by Labcorp Genetics (formerly Invitae), Labcorp); PubMed 33546218 (cited by Labcorp Genetics (formerly Invitae), Labcorp); PubMed 36563963 (cited by Labcorp Genetics (formerly Invitae), Labcorp).